The following is an entry in ClinVar:

NM_000142.5(FGFR3):c.585C>G (p.Phe195Leu)

Gene: FGFR3 (fibroblast growth factor receptor 3; plus strand). Cytogenetic location: 4p16.3.
Variant type: single nucleotide variant.
Coding change: c.585C>G on transcript NM_000142.5 (MANE Select); coding-DNA position 585, C replaced by G.
Protein change: p.Phe195Leu; replaces phenylalanine 195 with leucine.
Molecular consequence: missense variant. On other transcripts: non-coding transcript variant (1).
Genome position (GRCh38, 1-based): chr4:1,801,506, C>G. VCF-style: chr4-1801506-C-G. GRCh37 (hg19) VCF-style: chr4-1803233-C-G.
Other names: c.585C>G, p.Phe195Leu (NM_001163213.2, NM_001354809.2, NM_001354810.2 and 1 more transcripts); short protein forms F195L.
Identifiers: ClinVar variation 1307191 (VCV001307191.10), dbSNP rs1010991084, ClinGen allele CA91249187.

ClinVar aggregate classification (germline): Uncertain significance. Review status: criteria provided, multiple submitters, no conflicts (2 of 4 stars). 4 submissions from 4 submitters: Uncertain significance (4). Last evaluated 2026-03-24.

Conditions:
Inborn genetic diseases. Identifiers: MedGen C0950123, MeSH D030342.

Allele frequency attached by ClinVar (database versions not stated): gnomAD exomes 0.00002 and 0.00006; gnomAD 0.00003 and 0.00004; TOPMed 0.00003.
gnomAD v4.1: 89 of 1,562,034 alleles (0.0057%); highest among the groups gnomAD compares: Non-Finnish European, 0.0071%; no homozygotes.

Submissions (4):

Women's Health and Genetics/Laboratory Corporation of America, LabCorp
Classification: Uncertain significance. Last evaluated: 2026-03-24. Review status: criteria provided, single submitter. Criteria: LabCorp Variant Classification Summary - May 2015. Collection method: clinical testing. Allele origin: germline.
Comment: Variant summary: FGFR3 c.585C>G (p.Phe195Leu) results in a non-conservative amino acid change in the encoded protein sequence. Algorithms developed to predict the effect of missense changes on protein structure and function are either unavailable or do not agree on the potential impact of this missense change. The variant allele was found at a frequency of 1.8e-05 in 162986 control chromosomes. The available data on variant occurrences in the general population are insufficient to allow any conclusion about variant significance. To our knowledge, no occurrence of c.585C>G in individuals affected with FGFR3-related conditions and no experimental evidence demonstrating its impact on protein function have been reported. ClinVar contains an entry for this variant (Variation ID: 1307191). Based on the evidence outlined above, the variant was classified as uncertain significance.

Ambry Genetics
Classification: Uncertain significance for Inborn genetic diseases. Last evaluated: 2025-10-24. Review status: criteria provided, single submitter. Criteria: Ambry Variant Classification Scheme 2023. Collection method: clinical testing. Allele origin: germline.

Labcorp Genetics (formerly Invitae), Labcorp
Classification: Uncertain significance. Last evaluated: 2025-07-10. Review status: criteria provided, single submitter. Criteria: Invitae Variant Classification Sherloc (09022015). Collection method: clinical testing. Allele origin: germline.
Comment: This sequence change replaces phenylalanine, which is neutral and non-polar, with leucine, which is neutral and non-polar, at codon 195 of the FGFR3 protein (p.Phe195Leu). This variant is present in population databases (no rsID available, gnomAD 0.004%). This variant has not been reported in the literature in individuals affected with FGFR3-related conditions. ClinVar contains an entry for this variant (Variation ID: 1307191). Invitae Evidence Modeling of protein sequence and biophysical properties (such as structural, functional, and spatial information, amino acid conservation, physicochemical variation, residue mobility, and thermodynamic stability) indicates that this missense variant is not expected to disrupt FGFR3 protein function with a negative predictive value of 80%. In summary, the available evidence is currently insufficient to determine the role of this variant in disease. Therefore, it has been classified as a Variant of Uncertain Significance.

GeneDx
Classification: Uncertain significance. Last evaluated: 2025-05-30. Review status: criteria provided, single submitter. Criteria: GeneDx Variant Classification Process June 2021. Collection method: clinical testing. Allele origin: germline. Affected: yes.
Comment: In silico analysis supports that this missense variant has a deleterious effect on protein structure/function; Has not been previously published as pathogenic or benign to our knowledge